The following is an entry in ClinVar:

ClinVar aggregate classification (germline): Conflicting classifications of pathogenicity. Review status: criteria provided, conflicting classifications (1 of 4 stars). 17 submissions from 14 submitters: Uncertain significance (1); Benign (6); Likely benign (8). 2 of the submissions do not count toward it. Last evaluated 2026-09-01.

Conditions:
Multiple endocrine neoplasia. Identifiers: Orphanet 276161, MedGen C0027662, MONDO:0017169.
Hereditary cancer-predisposing syndrome. Also called: Tumor predisposition; Hereditary neoplastic syndrome; Neoplastic Syndromes, Hereditary; Hereditary Cancer Syndrome. Identifiers: Orphanet 140162, MedGen C0027672, MeSH D009386, MONDO:0015356.
Multiple endocrine neoplasia, type 2 (MEN2). Identifiers: Orphanet 653, MedGen C4048306, MONDO:0019003. Disease mechanism: gain of function.
Hirschsprung disease, susceptibility to, 1 (HSCR1). Also called: RET-Related Hirschsprung Disease. Identifiers: Orphanet 388, MedGen C3888239, MONDO:0007723, OMIM 142623.
Multiple endocrine neoplasia type 2A. Also called: MULTIPLE ENDOCRINE NEOPLASIA, TYPE IIA; PTC SYNDROME; SIPPLE SYNDROME; MEN 2A; MEN-2A syndrome; Pheochromocytoma and amyloid producing medullary thyroid carcinoma. Identifiers: Orphanet 247698, Orphanet 653, MedGen C0025268, MeSH D018813, MONDO:0008234, OMIM 171400.
Pheochromocytoma. Also called: MAX-Related Hereditary Paraganglioma-Pheochromocytoma Syndrome. Identifiers: Orphanet 29072, MedGen C0031511, MONDO:0008233, OMIM 171300, HP:0002666.
Renal hypodysplasia/aplasia 1 (RHDA1). Also called: HEREDITARY RENAL APLASIA; RENAL APLASIA. Identifiers: Orphanet 411709, MedGen C1619700, MONDO:0024519, OMIM 191830.

Allele frequency attached by ClinVar (database versions not stated): gnomAD 0.00020 and 0.00019; TOPMed 0.00025; gnomAD exomes 0.00026; ExAC 0.00027; ESP Exome Variant Server 0.00031.
gnomAD v4.1: 332 of 1,612,856 alleles (0.021%); highest among the groups gnomAD compares: Middle Eastern, 0.46%; 1 homozygote.

Submissions (17):

CeGaT Center for Human Genetics Tuebingen
Classification: Likely benign. Last evaluated: 2026-09-01. Review status: criteria provided, single submitter. Criteria: CeGaT Center For Human Genetics Tuebingen Variant Classification Criteria Version 2. Collection method: clinical testing. Allele origin: germline. Affected: yes. Observed: 18 variant alleles.
Comment: RET: BP4, BP7

Labcorp Genetics (formerly Invitae), Labcorp
Classification: Benign for Multiple endocrine neoplasia, type 2. Last evaluated: 2026-02-02. Review status: criteria provided, single submitter. Criteria: Invitae Variant Classification Sherloc (09022015). Collection method: clinical testing. Allele origin: germline.

Mayo Clinic Laboratories, Mayo Clinic
Classification: Benign. Last evaluated: 2025-05-27. Review status: criteria provided, single submitter. Criteria: ACMG Guidelines, 2015. Collection method: clinical testing. Allele origin: germline. Observed: 2 variant alleles.

Myriad Genetics, Inc.
Classification: Benign for Multiple endocrine neoplasia type 2A. Last evaluated: 2025-02-26. Review status: criteria provided, single submitter. Criteria: Myriad Autosomal Dominant, Autosomal Recessive and X-Linked Classification Criteria (2023). Collection method: clinical testing. Allele origin: unknown.
Comment: This variant is considered benign. This variant is a silent/synonymous amino acid change and it is not expected to impact splicing.

Ambry Genetics
Classification: Likely benign for Hereditary cancer-predisposing syndrome. Last evaluated: 2024-11-03. Review status: criteria provided, single submitter. Criteria: Ambry Variant Classification Scheme 2023. Collection method: clinical testing. Allele origin: germline.

Blueprint Genetics
Classification: Likely benign. Last evaluated: 2024-10-24. Review status: criteria provided, single submitter. Criteria: ACMG Guidelines, 2015. Collection method: clinical testing. Allele origin: germline.

Color Diagnostics, LLC DBA Color Health
Classification: Likely benign for Multiple endocrine neoplasia, type 2. Last evaluated: 2022-11-06. Review status: criteria provided, single submitter. Criteria: ACMG Guidelines, 2015. Collection method: clinical testing. Allele origin: germline.

Women's Health and Genetics/Laboratory Corporation of America, LabCorp
Classification: Benign. Last evaluated: 2022-09-24. Review status: criteria provided, single submitter. Criteria: LabCorp Variant Classification Summary - May 2015. Collection method: clinical testing. Allele origin: germline.

Sema4
Classification: Likely benign for Hereditary cancer-predisposing syndrome. Last evaluated: 2021-11-09. Review status: criteria provided, single submitter. Criteria: Sema4 Curation Guidelines. Collection method: curation. Allele origin: germline.

Illumina Laboratory Services, Illumina
Classification: Benign for Pheochromocytoma. Last evaluated: 2018-01-13. Review status: criteria provided, single submitter. Criteria: ICSL Variant Classification Criteria 13 December 2019. Collection method: clinical testing. Allele origin: germline.
Comment: This variant was observed in the ICSL laboratory as part of a predisposition screen in an ostensibly healthy population. It had not been previously curated by ICSL or reported in the Human Gene Mutation Database (HGMD: prior to June 1st, 2018), and was therefore a candidate for classification through an automated scoring system. Utilizing variant allele frequency, disease prevalence and penetrance estimates, and inheritance mode, an automated score was calculated to assess if this variant is too frequent to cause the disease. Based on the score and internal cut-off values, a variant classified as benign is not then subjected to further curation. The score for this variant resulted in a classification of benign for this disease.

Illumina Laboratory Services, Illumina
Classification: Likely benign for Hirschsprung disease, susceptibility to, 1. Last evaluated: 2018-01-13. Review status: criteria provided, single submitter. Criteria: ICSL Variant Classification Criteria 13 December 2019. Collection method: clinical testing. Allele origin: germline.
Comment: This variant was observed in the ICSL laboratory as part of a predisposition screen in an ostensibly healthy population. It had not been previously curated by ICSL or reported in the Human Gene Mutation Database (HGMD: prior to June 1st, 2018), and was therefore a candidate for classification through an automated scoring system. Utilizing variant allele frequency, disease prevalence and penetrance estimates, and inheritance mode, an automated score was calculated to assess if this variant is too frequent to cause the disease. Based on the score and internal cut-off values, a variant classified as likely benign is not then subjected to further curation. The score for this variant resulted in a classification of likely benign for this disease.

Illumina Laboratory Services, Illumina
Classification: Uncertain significance for Renal hypodysplasia/aplasia 1. Last evaluated: 2018-01-13. Review status: criteria provided, single submitter. Criteria: ICSL Variant Classification Criteria 13 December 2019. Collection method: clinical testing. Allele origin: germline.

Illumina Laboratory Services, Illumina
Classification: Benign for Multiple endocrine neoplasia. Last evaluated: 2018-01-13. Review status: criteria provided, single submitter. Criteria: ICSL Variant Classification Criteria 13 December 2019. Collection method: clinical testing. Allele origin: germline.
Comment: the same text as in the submission from Illumina Laboratory Services, Illumina above.

GeneDx
Classification: Likely benign. Last evaluated: 2017-12-14. Review status: criteria provided, single submitter. Criteria: GeneDx Variant Classification (06012015). Collection method: clinical testing. Allele origin: germline. Affected: yes.
Comment: This variant is considered likely benign or benign based on one or more of the following criteria: it is a conservative change, it occurs at a poorly conserved position in the protein, it is predicted to be benign by multiple in silico algorithms, and/or has population frequency not consistent with disease.

PreventionGenetics, part of Exact Sciences
Classification: Likely benign. Last evaluated: 2016-11-28. Review status: criteria provided, single submitter. Criteria: ACMG Guidelines, 2015. Collection method: clinical testing. Allele origin: germline.

Clinical Genetics DNA and cytogenetics Diagnostics Lab, Erasmus MC, Erasmus Medical Center
Classification: Likely benign. Review status: no assertion criteria provided. Collection method: clinical testing. Allele origin: germline. Affected: yes. Study: VKGL Data-share Consensus. Not counted in ClinVar's aggregate classification.

Joint Genome Diagnostic Labs from Nijmegen and Maastricht, Radboudumc and MUMC+
Classification: Likely benign. Review status: no assertion criteria provided. Collection method: clinical testing. Allele origin: germline. Affected: yes. Study: VKGL Data-share Consensus. Not counted in ClinVar's aggregate classification.

NM_020975.6(RET):c.2052G>A (p.Pro684=)

Gene: RET (ret proto-oncogene; plus strand). Cytogenetic location: 10q11.21.
Variant type: single nucleotide variant.
Coding change: c.2052G>A on transcript NM_020975.6 (MANE Select); coding-DNA position 2052, G replaced by A.
Protein change: p.Pro684=; no amino-acid change (proline 684 retained).
Molecular consequence: synonymous variant.
Genome position (GRCh38, 1-based): chr10:43,114,652, G>A. VCF-style: chr10-43114652-G-A. GRCh37 (hg19) VCF-style: chr10-43610100-G-A.
Other names: p.Pro684=; c.2052G>A, p.Pro684= (NM_000323.2, NM_001406743.1, NM_001406744.1 and 4 more transcripts); c.1290G>A, p.Pro430= (NM_001355216.2); c.1923G>A, p.Pro641= (NM_001406761.1, NM_001406762.1, NM_001406764.1); c.1917G>A, p.Pro639= (NM_001406763.1, NM_001406765.1); c.1764G>A, p.Pro588= (NM_001406766.1, NM_001406767.1, NM_001406770.1); c.1788G>A, p.Pro596= (NM_001406768.1); c.1656G>A, p.Pro552= (NM_001406769.1, NM_001406772.1); and 11 more.
Identifiers: ClinVar variation 241343 (VCV000241343.59), dbSNP rs145122337, ClinGen allele CA037105.